The following is an entry in ClinVar:

ClinVar aggregate classification (germline): Uncertain significance (1 of 4 stars; one submission).

Allele frequency attached by ClinVar (database versions not stated): ExAC 0.00001; gnomAD 0.00003; TOPMed 0.00003; gnomAD exomes 0.00005.
gnomAD v4.1: 77 of 1,613,982 alleles (0.0048%); highest among the groups gnomAD compares: Non-Finnish European, 0.0062%; no homozygotes.

Submission:

Labcorp Genetics (formerly Invitae), Labcorp
Classification: Uncertain significance. Last evaluated: 2024-10-22. Review status: criteria provided, single submitter. Criteria: Invitae Variant Classification Sherloc (09022015). Collection method: clinical testing. Allele origin: germline.
Comment: This sequence change replaces serine, which is neutral and polar, with asparagine, which is neutral and polar, at codon 677 of the ACTN1 protein (p.Ser677Asn). This variant is present in population databases (rs766768729, gnomAD 0.004%). This variant has not been reported in the literature in individuals affected with ACTN1-related conditions. An algorithm developed to predict the effect of missense changes on protein structure and function (PolyPhen-2) suggests that this variant is likely to be tolerated. In summary, the available evidence is currently insufficient to determine the role of this variant in disease. Therefore, it has been classified as a Variant of Uncertain Significance.

NM_001130004.2(ACTN1):c.2030G>A (p.Ser677Asn)

Gene: ACTN1 (actinin alpha 1; minus strand). Cytogenetic location: 14q24.1.
Variant type: single nucleotide variant.
Coding change: c.2030G>A on transcript NM_001130004.2 (MANE Select); coding-DNA position 2030, G replaced by A.
Protein change: p.Ser677Asn; replaces serine 677 with asparagine.
Molecular consequence: missense variant.
Genome position (GRCh38, 1-based): chr14:68,880,913, C>T on the plus strand (G>A on the coding strand, the complement: ACTN1 is on the minus strand). VCF-style: chr14-68880913-C-T. GRCh37 (hg19) VCF-style: chr14-69347630-C-T.
Other names: c.1847G>A, p.Ser616Asn (NM_001424025.1, NM_001424027.1, NM_001424029.1 and 2 more transcripts); c.1835G>A, p.Ser612Asn (NM_001424026.1, NM_001424028.1, NM_001411036.1); c.1205G>A, p.Ser402Asn (NM_001424030.1); c.2054G>A, p.Ser685Asn (NM_001424016.1, NM_001411035.1); c.2027G>A, p.Ser676Asn (NM_001424017.1); c.1991G>A, p.Ser664Asn (NM_001424018.1); c.1967G>A, p.Ser656Asn (NM_001424020.1, NM_001424022.1); c.1961G>A, p.Ser654Asn (NM_001424021.1); and 3 more; short protein forms S676N, S677N, S685N, S402N, S612N, S664N, S616N, S654N.
Identifiers: ClinVar variation 2974781 (VCV002974781.3), dbSNP rs766768729, ClinGen allele CA7242195.